The following is an entry in ClinVar:

ClinVar aggregate classification (germline): Uncertain significance (1 of 4 stars; one submission).

Conditions:
Spermatogenic failure 18. Identifiers: MedGen C4539783, MONDO:0054615, OMIM 617576.
Ciliary dyskinesia, primary, 37 (CILD37). Also called: CILIARY DYSKINESIA, PRIMARY, 37, WITH OR WITHOUT SITUS INVERSUS. Identifiers: MedGen C4539798, MONDO:0033204, OMIM 617577.

gnomAD v4.1: 4 of 1,612,522 alleles (0.00025%); highest among the groups gnomAD compares: Non-Finnish European, 0.00034%; no homozygotes.

Submission:

Labcorp Genetics (formerly Invitae), Labcorp
Classification: Uncertain significance for Ciliary dyskinesia, primary, 37; Spermatogenic failure 18. Last evaluated: 2025-07-14. Review status: criteria provided, single submitter. Criteria: Invitae Variant Classification Sherloc (09022015). Collection method: clinical testing. Allele origin: germline.
Comment: This sequence change replaces leucine, which is neutral and non-polar, with glutamine, which is neutral and polar, at codon 1992 of the DNAH1 protein (p.Leu1992Gln). This variant is not present in population databases (gnomAD no frequency). This variant has not been reported in the literature in individuals affected with DNAH1-related conditions. ClinVar contains an entry for this variant (Variation ID: 3761311). Invitae Evidence Modeling of protein sequence and biophysical properties (such as structural, functional, and spatial information, amino acid conservation, physicochemical variation, residue mobility, and thermodynamic stability) has been performed for this missense variant. However, the output from this modeling did not meet the statistical confidence thresholds required to predict the impact of this variant on DNAH1 protein function. In summary, the available evidence is currently insufficient to determine the role of this variant in disease. Therefore, it has been classified as a Variant of Uncertain Significance.

NM_015512.5(DNAH1):c.5975T>A (p.Leu1992Gln)

Gene: DNAH1 (dynein axonemal heavy chain 1; plus strand). Cytogenetic location: 3p21.1.
Variant type: single nucleotide variant.
Coding change: c.5975T>A on transcript NM_015512.5 (MANE Select); coding-DNA position 5975, T replaced by A.
Protein change: p.Leu1992Gln; replaces leucine 1992 with glutamine.
Molecular consequence: missense variant.
Genome position (GRCh38, 1-based): chr3:52,369,856, T>A. VCF-style: chr3-52369856-T-A. GRCh37 (hg19) VCF-style: chr3-52403872-T-A.
Other names: short protein forms L1992Q.
Identifiers: ClinVar variation 3761311 (VCV003761311.2).